The following is an entry in ClinVar:

NM_001282860.2(GON4L):c.20_24del (p.Arg7fs)

Gene: GON4L (gon-4 like; minus strand). Cytogenetic location: 1q22.
Variant type: Microsatellite.
Coding change: c.20_24del on transcript NM_001282860.2 (MANE Select); coding-DNA positions 20 to 24, 5 bases deleted (GAAGA; older notation c.20_24delGAAGA).
Protein change: p.Arg7fs; shifts the reading frame from arginine 7.
Molecular consequence: frameshift variant.
Genome position (GRCh38, 1-based): chr1:155,853,757-155,853,761, TCTTC deleted on the plus strand (GAAGA on the coding strand, the reverse complement: GON4L is on the minus strand); deleting any 5 consecutive bases within chr1:155,853,757-155,853,767 gives the same sequence; the c. name uses the placement nearest the transcript's 3' end. VCF-style (leftmost placement, unchanged base first): chr1-155853756-TTCTTC-T. GRCh37 (hg19) VCF-style: chr1-155823547-TTCTTC-T.
Other names: c.20_24del, p.Arg7fs (NM_001282856.2, NM_001282858.2, NM_001282861.2 and 1 more transcripts); short protein forms R7fs.
Identifiers: ClinVar variation 4850342 (VCV004850342.1).

ClinVar aggregate classification (germline): Likely pathogenic (1 of 4 stars; one submission).

Conditions:
Li-Takada-Miyake syndrome. Identifiers: MedGen C6012727, MONDO:0978303, OMIM 621212.

Submission:

First Genomix Gene Laboratory, Genetic Diagnostics Department
Classification: Likely pathogenic for Li-Takada-Miyake syndrome. Last evaluated: 2025-09-17. Review status: criteria provided, single submitter. Criteria: ACMG Guidelines, 2015. Collection method: clinical testing. Allele origin: germline. Inheritance: Autosomal recessive inheritance. Affected: no. Observed: 1 variant allele.